The following is an entry in ClinVar:

NM_000108.5(DLD):c.182C>T (p.Ala61Val)

Gene: DLD (dihydrolipoamide dehydrogenase; plus strand). Cytogenetic location: 7q31.1.
Variant type: single nucleotide variant.
Coding change: c.182C>T on transcript NM_000108.5 (MANE Select); coding-DNA position 182, C replaced by T.
Protein change: p.Ala61Val; replaces alanine 61 with valine.
Molecular consequence: missense variant. On other transcripts: intron variant (1).
Genome position (GRCh38, 1-based): chr7:107,901,801, C>T. VCF-style: chr7-107901801-C-T. GRCh37 (hg19) VCF-style: chr7-107542246-C-T.
Other names: p.A61V:GCC>GTC; c.182C>T, p.Ala61Val (NM_001289751.1, NM_001289752.1); c.-30-1677C>T (NM_001289750.1); short protein forms A61V.
Identifiers: ClinVar variation 203674 (VCV000203674.2), dbSNP rs796051947, ClinGen allele CA312451.

ClinVar aggregate classification (germline): Likely pathogenic (1 of 4 stars; one submission).

Allele frequency attached by ClinVar (database versions not stated): gnomAD exomes below 0.00001.
gnomAD v4.1: 2 of 1,613,292 alleles (0.00012%); highest among the groups gnomAD compares: Non-Finnish European, 0.00017%; no homozygotes.

Submission:

GeneDx
Classification: Likely pathogenic. Last evaluated: 2014-01-18. Review status: criteria provided, single submitter. Criteria: GeneDx Variant Classification (06012015). Collection method: clinical testing. Allele origin: germline. Affected: yes.
Comment: p.Ala61Val (GCC>GTC): c.182 C>T in exon 3 of the DLD gene (NM_000108.3) An A61V missense change that is likely pathogenic was identified in the DLD gene. It has not been published as a mutation, nor has it been reported as a benign polymorphism to our knowledge. The A61V variant is a conservative amino acid substitution as these residues share similar properties, and are less likely to impact secondary structure. However, this substitution occurs at a highly conserved position in the DLD protein, and multiple in-silico analysis programs predict that A61V is damaging to the DLD protein. Therefore, A61V is a strong candidate for a disease-causing mutation, however the possibility that it is a benign variant cannot be excluded. The variant is found in MITONUC-MITOP panel(s).